The following is an entry in ClinVar:

ClinVar aggregate classification (germline): Pathogenic (1 of 4 stars; one submission).

Conditions:
Combined malonic and methylmalonic acidemia. Identifiers: Orphanet 289504, MedGen C3280314, MONDO:0013661, OMIM 614265.

Submission:

Labcorp Genetics (formerly Invitae), Labcorp
Classification: Pathogenic for Combined malonic and methylmalonic acidemia. Last evaluated: 2021-12-27. Review status: criteria provided, single submitter. Criteria: Invitae Variant Classification Sherloc (09022015). Collection method: clinical testing. Allele origin: germline.
Comment: This variant is a gross deletion of the genomic region encompassing exon(s) 8-11 of the ACSF3 gene, which includes the termination codon. This deletion extends beyond the assayed region for this gene and therefore may encompass additional genes. While this deletion is not anticipated to lead to nonsense mediated decay, it is expected to alter mRNA translation or result in a truncated protein product. This variant has not been reported in the literature in individuals affected with ACSF3-related conditions. This variant disrupts a region of the ACSF3 protein in which other variant(s) (p.Arg558Trp) have been determined to be pathogenic (PMID: 21841779, 26827111; Invitae). This suggests that this is a clinically significant region of the protein, and that variants that disrupt it are likely to be disease-causing. For these reasons, this variant has been classified as Pathogenic.

Literature cited by the submitters: PubMed 21841779; PubMed 26827111.

NC_000016.9:g.(?_89199534)_(89222264_?)del

Gene: ACSF3 (acyl-CoA synthetase family member 3; plus strand). Cytogenetic location: 16q24.3.
Variant type: Deletion.
Identifiers: ClinVar variation 2427527 (VCV002427527.2).